The following is an entry in ClinVar:

NM_001114753.3(ENG):c.373G>C (p.Val125Leu)

Gene: ENG (endoglin; minus strand). Cytogenetic location: 9q34.11.
Variant type: single nucleotide variant.
Coding change: c.373G>C on transcript NM_001114753.3 (MANE Select); coding-DNA position 373, G replaced by C.
Protein change: p.Val125Leu; replaces valine 125 with leucine.
Molecular consequence: missense variant. On other transcripts: 5 prime UTR variant (1).
Genome position (GRCh38, 1-based): chr9:127,826,660, C>G on the plus strand (G>C on the coding strand, the complement: ENG is on the minus strand). VCF-style: chr9-127826660-C-G. GRCh37 (hg19) VCF-style: chr9-130588939-C-G.
Other names: c.373G>C, p.Val125Leu (NM_000118.4, NM_001406715.1); c.-174G>C (NM_001278138.2); short protein forms V125L.
Identifiers: ClinVar variation 968371 (VCV000968371.11), dbSNP rs1564456745, ClinGen allele CA374984425.
Genomic context (GRCh38, chr9:127,826,660, plus strand): 5'-GGGTCTTGGGGAAGGATGGCAGCTCTGTGGTGTTGACCCCCGGGGGCTCTTGGAAGGTGA[C>G]CAGGCTGGAATTCTGGGGAGACATGTGGAGGCTCAGCACGCTGTTCCTGGCCCTGTGCCC-3'
Protein context (NP_001108225.1, residues 115-135): PLHLAYNSSL[Val125Leu]TFQEPPGVNT

ClinVar aggregate classification (germline): Uncertain significance (1 of 4 stars; one submission).

Conditions:
Hereditary hemorrhagic telangiectasia (HHT). Also called: Osler hemorrhagic telangiectasia syndrome; ORW DISEASE; Osler Weber Rendu syndrome; OSLER-RENDU-WEBER DISEASE. Identifiers: Orphanet 774, MedGen C0039445, MONDO:0019180. Disease mechanism: loss of function.

Submission:

Labcorp Genetics (formerly Invitae), Labcorp
Classification: Uncertain significance for Hereditary hemorrhagic telangiectasia. Last evaluated: 2019-11-15. Review status: criteria provided, single submitter. Criteria: Invitae Variant Classification Sherloc (09022015). Collection method: clinical testing. Allele origin: germline.
Comment: This variant is not present in population databases (ExAC no frequency). This sequence change replaces valine with leucine at codon 125 of the ENG protein (p.Val125Leu). The valine residue is weakly conserved and there is a small physicochemical difference between valine and leucine. This variant has not been reported in the literature in individuals with ENG-related conditions. Algorithms developed to predict the effect of missense changes on protein structure and function are either unavailable or do not agree on the potential impact of this missense change (SIFT: "Deleterious"; PolyPhen-2: "Benign"; Align-GVGD: "Class C0"). In summary, the available evidence is currently insufficient to determine the role of this variant in disease. Therefore, it has been classified as a Variant of Uncertain Significance.